The following is an entry in ClinVar:

ClinVar aggregate classification (germline): Pathogenic. Review status: no assertion criteria provided (0 of 4 stars). 2 submissions from 2 submitters: Pathogenic (2). Last evaluated 2020-04-10.

Conditions:
Congenital NAD deficiency disorder. Identifiers: MedGen CN241975.
Vertebral, cardiac, renal, and limb defects syndrome 3. Also called: CONGENITAL NAD DEFICIENCY DISORDER 3. Identifiers: MedGen C5394250, MONDO:0030077, OMIM 618845.

Submissions (2):

OMIM
Classification: Pathogenic for VERTEBRAL, CARDIAC, RENAL, AND LIMB DEFECTS SYNDROME 3. Last evaluated: 2020-04-10. Review status: no assertion criteria provided. Collection method: literature only. Allele origin: germline.

Embryology Laboratory, Victor Chang Cardiac Research Institute
Classification: Pathogenic for Congenital NAD Deficiency Disorder. Last evaluated: 2019-12-01. Review status: no assertion criteria provided. Collection method: research. Allele origin: inherited. Inheritance: Autosomal recessive inheritance. Affected: yes. Observed: 1 variant allele, 1 compound heterozygote.
Comment: This variant, c.735T>A, was found in compound heterozygosity with the pathogenic variant c.1839C>G

Literature cited by the submitters: PubMed 31883644 (cited by OMIM and Embryology Laboratory, Victor Chang Cardiac Research Institute).

NM_018161.5(NADSYN1):c.735T>A (p.Cys245Ter)

Gene: NADSYN1 (NAD synthetase 1; plus strand). Cytogenetic location: 11q13.4.
Variant type: single nucleotide variant.
Coding change: c.735T>A on transcript NM_018161.5 (MANE Select); coding-DNA position 735, T replaced by A.
Protein change: p.Cys245Ter; replaces cysteine 245 with a stop codon.
Molecular consequence: nonsense.
Genome position (GRCh38, 1-based): chr11:71,474,463, T>A. VCF-style: chr11-71474463-T-A. GRCh37 (hg19) VCF-style: chr11-71185509-T-A.
Other names: short protein forms C245*.
Identifiers: ClinVar variation 834713 (VCV000834713.3), dbSNP rs1949650831, ClinGen allele CA381704955.